The following is an entry in ClinVar:

ClinVar aggregate classification (germline): Uncertain significance (1 of 4 stars; one submission).

Allele frequency attached by ClinVar (database versions not stated): gnomAD exomes below 0.00001; ExAC 0.00001.
gnomAD v4.1: 1 of 1,614,034 alleles (0.000062%); highest among the groups gnomAD compares: Non-Finnish European, 0.000085%; no homozygotes.

Submission:

Labcorp Genetics (formerly Invitae), Labcorp
Classification: Uncertain significance. Last evaluated: 2021-08-08. Review status: criteria provided, single submitter. Criteria: Invitae Variant Classification Sherloc (09022015). Collection method: clinical testing. Allele origin: germline.
Comment: In summary, the available evidence is currently insufficient to determine the role of this variant in disease. Therefore, it has been classified as a Variant of Uncertain Significance. Algorithms developed to predict the effect of missense changes on protein structure and function (SIFT, PolyPhen-2, Align-GVGD) all suggest that this variant is likely to be tolerated. This variant has not been reported in the literature in individuals affected with HELLS-related conditions. This variant is present in population databases (rs759670581, ExAC 0.001%). This sequence change replaces cysteine with arginine at codon 205 of the HELLS protein (p.Cys205Arg). The cysteine residue is weakly conserved and there is a large physicochemical difference between cysteine and arginine.

NM_018063.5(HELLS):c.613T>C (p.Cys205Arg)

Gene: HELLS (helicase, lymphoid specific; plus strand). Cytogenetic location: 10q23.33.
Variant type: single nucleotide variant.
Coding change: c.613T>C on transcript NM_018063.5 (MANE Select); coding-DNA position 613, T replaced by C.
Protein change: p.Cys205Arg; replaces cysteine 205 with arginine.
Molecular consequence: missense variant. On other transcripts: 5 prime UTR variant (2).
Genome position (GRCh38, 1-based): chr10:94,574,095, T>C. VCF-style: chr10-94574095-T-C. GRCh37 (hg19) VCF-style: chr10-96333852-T-C.
Other names: c.241T>C, p.Cys81Arg (NM_001289071.2); c.613T>C, p.Cys205Arg (NM_001289072.2, NM_001289067.2, NM_001289069.2 and 1 more transcripts); c.199T>C, p.Cys67Arg (NM_001289073.2); c.-390T>C (NM_001289074.2); c.-409T>C (NM_001289075.2); c.565T>C, p.Cys189Arg (NM_001289068.2); short protein forms C189R, C81R, C205R, C67R.
Identifiers: ClinVar variation 1463435 (VCV001463435.6), dbSNP rs759670581, ClinGen allele CA5615335.